The following is an entry in ClinVar:

ClinVar aggregate classification (germline): Benign/Likely benign. Review status: criteria provided, multiple submitters, no conflicts (2 of 4 stars). 3 submissions from 3 submitters: Benign (1); Likely benign (1). 1 of the submissions does not count toward it. Last evaluated 2026-01-21.

Conditions:
CWC27-related disorder. Also called: CWC27-related condition.

Submissions (4):

Labcorp Genetics (formerly Invitae), Labcorp
Classification: Benign. Last evaluated: 2026-01-21. Review status: criteria provided, single submitter. Criteria: Invitae Variant Classification Sherloc (09022015). Collection method: clinical testing. Allele origin: germline.

Blueprint Genetics
Classification: Likely benign. Last evaluated: 2024-10-30. Review status: criteria provided, single submitter. Criteria: ACMG Guidelines, 2015. Collection method: clinical testing. Allele origin: germline.

PreventionGenetics, part of Exact Sciences
Classification: Likely benign for CWC27-related condition. Last evaluated: 2024-08-25. Review status: no assertion criteria provided. Collection method: clinical testing. Allele origin: germline. Not counted in ClinVar's aggregate classification.
Comment: This variant is classified as likely benign based on ACMG/AMP sequence variant interpretation guidelines (Richards et al. 2015 PMID: 25741868, with internal and published modifications).

Dr. Peter K. Rogan Lab, Western University
No classification provided (evidence only). Condition: Familial cancer of breast. Review status: no classification provided. Collection method: in vitro. Allele origin: not applicable. Functional consequence: retained intron. Not counted in ClinVar's aggregate classification.

NM_005869.4(CWC27):c.140-4del

Gene: CWC27 (CWC27 spliceosome associated cyclophilin; plus strand). Cytogenetic location: 5q12.3.
Variant type: Deletion.
Coding change: c.140-4del on transcript NM_005869.4 (MANE Select); 4 bases into the intron before coding-DNA position 140, one base deleted (T; older notation c.140-4delT).
Molecular consequence: intron variant.
Genome position (GRCh38, 1-based): chr5:64,781,917, T deleted; the last of 9 consecutive T bases (chr5:64,781,909-64,781,917); deleting any one gives the same sequence. VCF-style (leftmost placement, unchanged base first): chr5-64781908-AT-A. GRCh37 (hg19) VCF-style: chr5-64077735-AT-A.
Other names: NC_000005.9:g.64077744del; c.140-4delT (NM_005869.3); c.140-4del (NM_001297644.1, NM_001364478.1, NM_001318000.2 and 1 more transcripts).
Identifiers: ClinVar variation 1165786 (VCV001165786.13), dbSNP rs200915173, ClinGen allele CA3281853.